The following is an entry in ClinVar:

NM_015041.3(CLUAP1):c.529G>A (p.Glu177Lys)

Gene: CLUAP1 (clusterin associated protein 1; plus strand). Cytogenetic location: 16p13.3.
Variant type: single nucleotide variant.
Coding change: c.529G>A on transcript NM_015041.3 (MANE Select); coding-DNA position 529, G replaced by A.
Protein change: p.Glu177Lys; replaces glutamic acid 177 with lysine.
Molecular consequence: missense variant.
Genome position (GRCh38, 1-based): chr16:3,515,541, G>A. VCF-style: chr16-3515541-G-A. GRCh37 (hg19) VCF-style: chr16-3565541-G-A.
Other names: c.529G>A, p.Glu177Lys (NM_001330454.2); c.31G>A, p.Glu11Lys (NM_024793.3); short protein forms E11K, E177K.
Identifiers: ClinVar variation 1011818 (VCV001011818.8), dbSNP rs142411384, ClinGen allele CA7863767.
Genomic context (GRCh38, chr16:3,515,541, plus strand): 5'-TACGTAAATGATTTTACTGTTTCCTAGGAAATGAGAACAGAAGCCATTGCCAGACCTCTG[G>A]AAATAAACGAGACTGAAAAAGTGATGAGAATTGCAATAAAAGAGATTTTGGTAAGATGAC-3'
Protein context (NP_055856.1, residues 167-187): MRTEAIARPL[Glu177Lys]INETEKVMRI

ClinVar aggregate classification (germline): Uncertain significance (1 of 4 stars; one submission).

Allele frequency attached by ClinVar (database versions not stated): gnomAD exomes below 0.00001 and 0.00001; ExAC 0.00001; gnomAD 0.00001; TOPMed 0.00002; ESP Exome Variant Server 0.00008.

Submission:

Labcorp Genetics (formerly Invitae), Labcorp
Classification: Uncertain significance. Last evaluated: 2025-04-24. Review status: criteria provided, single submitter. Criteria: Invitae Variant Classification Sherloc (09022015). Collection method: clinical testing. Allele origin: germline.
Comment: This sequence change replaces glutamic acid, which is acidic and polar, with lysine, which is basic and polar, at codon 177 of the CLUAP1 protein (p.Glu177Lys). This variant is present in population databases (rs142411384, gnomAD 0.003%). This variant has not been reported in the literature in individuals affected with CLUAP1-related conditions. ClinVar contains an entry for this variant (Variation ID: 1011818). Invitae Evidence Modeling of protein sequence and biophysical properties (such as structural, functional, and spatial information, amino acid conservation, physicochemical variation, residue mobility, and thermodynamic stability) indicates that this missense variant is expected to disrupt CLUAP1 protein function with a positive predictive value of 80%. In summary, the available evidence is currently insufficient to determine the role of this variant in disease. Therefore, it has been classified as a Variant of Uncertain Significance.